The following is an entry in ClinVar:

ClinVar aggregate classification (germline): Uncertain significance. Review status: criteria provided, multiple submitters, no conflicts (2 of 4 stars). 2 submissions from 2 submitters: Uncertain significance (2). Last evaluated 2024-05-24.

Conditions:
Inborn genetic diseases. Identifiers: MedGen C0950123, MeSH D030342.
Megaconial type congenital muscular dystrophy (MDCMC). Also called: CHKB-Related Muscle Diseases; CHKB-Related Muscular Dystrophy; MUSCULAR DYSTROPHY, CONGENITAL, WITH MITOCHONDRIAL STRUCTURAL ABNORMALITIES. Identifiers: Orphanet 280671, MedGen C1865233, MONDO:0011246, OMIM 602541.

Allele frequency attached by ClinVar (database versions not stated): gnomAD 0.00001; gnomAD exomes 0.00001 and 0.00002; TOPMed 0.00001; ExAC 0.00002; ESP Exome Variant Server 0.00008.

Submissions (2):

Ambry Genetics
Classification: Uncertain significance for Inborn genetic diseases. Last evaluated: 2024-05-24. Review status: criteria provided, single submitter. Criteria: Ambry Variant Classification Scheme 2023. Collection method: clinical testing. Allele origin: germline.

Labcorp Genetics (formerly Invitae), Labcorp
Classification: Uncertain significance for Megaconial type congenital muscular dystrophy. Last evaluated: 2022-09-06. Review status: criteria provided, single submitter. Criteria: Invitae Variant Classification Sherloc (09022015). Collection method: clinical testing. Allele origin: germline.
Comment: This sequence change replaces arginine, which is basic and polar, with tryptophan, which is neutral and slightly polar, at codon 151 of the CHKB protein (p.Arg151Trp). This variant is present in population databases (rs148857303, gnomAD 0.006%). This variant has not been reported in the literature in individuals affected with CHKB-related conditions. ClinVar contains an entry for this variant (Variation ID: 1494559). Algorithms developed to predict the effect of missense changes on protein structure and function are either unavailable or do not agree on the potential impact of this missense change (SIFT: "Deleterious"; PolyPhen-2: "Probably Damaging"; Align-GVGD: "Class C0"). In summary, the available evidence is currently insufficient to determine the role of this variant in disease. Therefore, it has been classified as a Variant of Uncertain Significance.

NM_005198.5(CHKB):c.451C>T (p.Arg151Trp)

Genes: CHKB-CPT1B (CHKB-CPT1B readthrough (NMD candidate); minus strand), CHKB (choline kinase beta; minus strand). Cytogenetic location: 22q13.33.
Variant type: single nucleotide variant.
Coding change: c.451C>T on transcript NM_005198.5 (MANE Select); coding-DNA position 451, C replaced by T.
Protein change: p.Arg151Trp; replaces arginine 151 with tryptophan.
Molecular consequence: missense variant. On other transcripts: non-coding transcript variant (1).
Genome position (GRCh38, 1-based): chr22:50,581,550, G>A on the plus strand (C>T on the coding strand, the complement: CHKB is on the minus strand). VCF-style: chr22-50581550-G-A. GRCh37 (hg19) VCF-style: chr22-51019979-G-A.
Other names: c.451C>T (NM_005198.4); short protein forms R151W.
Identifiers: ClinVar variation 1494559 (VCV001494559.4), dbSNP rs148857303, ClinGen allele CA10323766.